The following is an entry in ClinVar:

NM_007294.4(BRCA1):c.2890G>T (p.Gly964Ter)

Gene: BRCA1 (BRCA1 DNA repair associated; minus strand). Cytogenetic location: 17q21.31.
Variant type: single nucleotide variant.
Coding change: c.2890G>T on transcript NM_007294.4 (MANE Select); coding-DNA position 2890, G replaced by T.
Protein change: p.Gly964Ter; replaces glycine 964 with a stop codon.
Molecular consequence: nonsense. On other transcripts: intron variant (137).
Genome position (GRCh38, 1-based): chr17:43,092,641, C>A on the plus strand (G>T on the coding strand, the complement: BRCA1 is on the minus strand). VCF-style: chr17-43092641-C-A. GRCh37 (hg19) VCF-style: chr17-41244658-C-A.
Other names: 3009G>T Gly964ter; c.578-1609G>T (NM_001408485.1, NM_001408483.1, NM_001408481.1 and 9 more transcripts); c.662-1609G>T (NM_001408447.1, NM_001408433.1, NM_001408446.1 and 6 more transcripts); c.785-1609G>T (NM_001408400.1, NM_001408392.1, NM_001407986.1 and 13 more transcripts); c.665-1609G>T (NM_001408441.1, NM_001408437.1, NM_001408429.1 and 12 more transcripts); c.788-1609G>T (NM_001407979.1, NM_001407977.1, NM_001407982.1 and 17 more transcripts); c.647-1609G>T (NM_001408410.1, NM_001408458.1, NM_001408469.1 and 11 more transcripts); c.710-1609G>T (NM_001408415.1, NM_001408412.1, NM_001408409.1 and 2 more transcripts); and 42 more; short protein forms G964*, G917*, G836*, G852*, G893*, G937*, G796*, G916*.
Identifiers: ClinVar variation 266316 (VCV000266316.13), dbSNP rs879254027, ClinGen allele CA10589800.

ClinVar aggregate classification (germline): Pathogenic. Review status: reviewed by expert panel (3 of 4 stars). 3 submissions from 3 submitters: Pathogenic (1). 2 of the submissions do not count toward it. Last evaluated 2016-10-18.

Conditions:
Hereditary breast ovarian cancer syndrome. Also called: Hereditary breast and ovarian cancer syndrome (HBOC); Breast and ovarian cancer; Hereditary breast and ovarian cancer syndrome; Hereditary breast and ovarian cancer; BRCA1- and BRCA2-Associated Hereditary Breast and Ovarian Cancer; Hereditary breast and/or ovarian cancer syndrome. Identifiers: Orphanet 145, MedGen C0677776, MeSH D061325, MONDO:0003582. Disease mechanism: loss of function.
Breast-ovarian cancer, familial, susceptibility to, 1 (BROVCA1). Also called: BRCA1 Hereditary Breast and Ovarian Cancer; OVARIAN CANCER, SUSCEPTIBILITY TO. Identifiers: Orphanet 145, MedGen C2676676, MONDO:0011450, OMIM 604370. Disease mechanism: loss of function.

Submissions (3):

Evidence-based Network for the Interpretation of Germline Mutant Alleles (ENIGMA)
Classification: Pathogenic for Breast-ovarian cancer, familial, susceptibility to, 1. Last evaluated: 2016-10-18. Review status: reviewed by expert panel. Criteria: ENIGMA BRCA1/2 Classification Criteria (2015). Collection method: curation. Allele origin: germline.
Comment: Variant allele predicted to encode a truncated non-functional protein.

Labcorp Genetics (formerly Invitae), Labcorp
Classification: Pathogenic for Hereditary breast ovarian cancer syndrome. Last evaluated: 2020-11-12. Review status: criteria provided, single submitter. Criteria: Invitae Variant Classification Sherloc (09022015). Collection method: clinical testing. Allele origin: germline. Not counted in ClinVar's aggregate classification.
Comment: This variant has been observed in individual(s) undergoing testing for hereditary breast cancer (PMID: 20858050, 29446198). ClinVar contains an entry for this variant (Variation ID: 266316). For these reasons, this variant has been classified as Pathogenic. This variant is not present in population databases (ExAC no frequency). This sequence change creates a premature translational stop signal (p.Gly964*) in the BRCA1 gene. It is expected to result in an absent or disrupted protein product. Loss-of-function variants in BRCA1 are known to be pathogenic (PMID: 20104584).

Consortium of Investigators of Modifiers of BRCA1/2 (CIMBA), c/o University of Cambridge
Classification: Pathogenic for Breast-ovarian cancer, familial, susceptibility to, 1. Last evaluated: 2015-10-02. Review status: criteria provided, single submitter. Criteria: CIMBA Mutation Classification guidelines May 2016. Collection method: clinical testing. Allele origin: germline. Not counted in ClinVar's aggregate classification.

Literature cited by the submitters: PubMed 20858050 (cited by Labcorp Genetics (formerly Invitae), Labcorp); PubMed 29446198 (cited by Labcorp Genetics (formerly Invitae), Labcorp); PubMed 20104584 (cited by Labcorp Genetics (formerly Invitae), Labcorp).